The following is an entry in ClinVar:

ClinVar aggregate classification (germline): Uncertain significance (1 of 4 stars; one submission).

Conditions:
Catecholaminergic polymorphic ventricular tachycardia (CVPT). Also called: Catecholamine-induced polymorphic ventricular tachycardia. Identifiers: Orphanet 3286, MedGen C5574922, MONDO:0017990.

Submission:

All of Us Research Program, National Institutes of Health
Classification: Uncertain significance for Catecholaminergic polymorphic ventricular tachycardia. Last evaluated: 2024-04-16. Review status: criteria provided, single submitter. Criteria: ACMG Guidelines, 2015. Collection method: clinical testing. Allele origin: germline. Inheritance: Autosomal dominant inheritance. Observed: 1 variant allele, 1 heterozygote.
Comment: This variant causes a duplication of the last two nucleotides in exon 42 and the first six nucleotides in intron 42 of the DSP gene. Splice site prediction tools predict that this variant may have a significant impact on RNA splicing. To our knowledge, functional RNA studies have not been reported for this variant. This variant has not been reported in individuals affected with RYR2-related disorders in the literature. This variant has not been identified in the general population by the Genome Aggregation Database (gnomAD). The available evidence is insufficient to determine the role of this variant in disease conclusively. Therefore, this variant is classified as a Variant of Uncertain Significance.

This study involves interpretation of variants in research participants for the purpose of population health screening. Participant phenotype was not available at the time of variant classification. Additional details can be found in publication PMID: 35346344, PMCID: PMC8962531

NM_001035.3(RYR2):c.6554_6555+6dup

Gene: RYR2 (ryanodine receptor 2; plus strand). Cytogenetic location: 1q43.
Variant type: Duplication.
Coding change: c.6554_6555+6dup on transcript NM_001035.3 (MANE Select); coding-DNA position 6554 through 6 bases into the intron after coding-DNA position 6555, 8 bases duplicated (AGGTAACG; older notation c.6554_6555+6dupAGGTAACG).
Molecular consequence: splice donor variant.
Genome position (GRCh38, 1-based): chr1:237,631,540-237,631,547, AGGTAACG duplicated. VCF-style (leftmost placement, unchanged base first): chr1-237631539-A-AAGGTAACG. GRCh37 (hg19) VCF-style: chr1-237794839-A-AAGGTAACG.
Identifiers: ClinVar variation 3385766 (VCV003385766.1).